The following is an entry in ClinVar:

ClinVar aggregate classification (germline): Uncertain significance (1 of 4 stars; one submission).

Conditions:
Lissencephaly 6 with microcephaly. Identifiers: Orphanet 1083, MedGen C4015525, MONDO:0014534, OMIM 616212.

Allele frequency attached by ClinVar (database versions not stated): gnomAD exomes below 0.00001; ExAC 0.00001.
gnomAD v4.1: 2 of 1,613,626 alleles (0.00012%); highest among the groups gnomAD compares: East Asian, 0.0022%; no homozygotes.

Submission:

MVZ Medizinische Genetik Mainz
Classification: Uncertain significance for Lissencephaly 6 with microcephaly. Last evaluated: 2023-11-10. Review status: criteria provided, single submitter. Criteria: UK Practice Guidelines For Variant Classification V4 01 2020. Collection method: clinical testing. Allele origin: germline. Inheritance: Autosomal recessive inheritance. Affected: yes. Observed: 1 variant allele.
Comment: ACMG Criteria: PM5,PM2_SUP,PP3

NM_005886.3(KATNB1):c.134T>C (p.Val45Ala)

Gene: KATNB1 (katanin regulatory subunit B1; plus strand). Cytogenetic location: 16q21.
Variant type: single nucleotide variant.
Coding change: c.134T>C on transcript NM_005886.3 (MANE Select); coding-DNA position 134, T replaced by C.
Protein change: p.Val45Ala; replaces valine 45 with alanine.
Molecular consequence: missense variant.
Genome position (GRCh38, 1-based): chr16:57,741,780, T>C. VCF-style: chr16-57741780-T-C. GRCh37 (hg19) VCF-style: chr16-57775692-T-C.
Other names: short protein forms V45A.
Identifiers: ClinVar variation 3236076 (VCV003236076.1), dbSNP rs782156496, ClinGen allele CA8080624.